The following is an entry in ClinVar:

ClinVar aggregate classification (germline): Uncertain significance (1 of 4 stars; one submission).

Submission:

Dasa
Classification: Uncertain significance. Last evaluated: 2026-01-29. Review status: criteria provided, single submitter. Criteria: DASA Assertion Criteria. Collection method: clinical testing. Allele origin: germline.
Comment: NM_020297.4(ABCC9):c.261A>G (p.Ile87Met) is a missense variant that results in the substitution of isoleucine with methionine. This variant is absent from population databases. Computational prediction algorithms are consistent with a deleterious effect. The currently available literature and clinical evidence are not sufficient to establish a definitive association between this variant and the reported condition. Therefore, this variant is classified as a variant of uncertain significance.

NM_020297.4(ABCC9):c.261A>G (p.Ile87Met)

Gene: ABCC9 (ATP binding cassette subfamily C member 9; minus strand). Cytogenetic location: 12p12.1.
Variant type: single nucleotide variant.
Coding change: c.261A>G on transcript NM_020297.4 (MANE Select); coding-DNA position 261, A replaced by G.
Protein change: p.Ile87Met; replaces isoleucine 87 with methionine.
Molecular consequence: missense variant. On other transcripts: 5 prime UTR variant (1).
Genome position (GRCh38, 1-based): chr12:21,933,805, T>C on the plus strand (A>G on the coding strand, the complement: ABCC9 is on the minus strand). VCF-style: chr12-21933805-T-C. GRCh37 (hg19) VCF-style: chr12-22086739-T-C.
Other names: c.261A>G, p.Ile87Met (NM_001377273.1, NM_005691.4); c.-194A>G (NM_001377274.1); short protein forms I87M.
Identifiers: ClinVar variation 4885764 (VCV004885764.2).